The following is an entry in ClinVar:

NC_000003.11:g.(?_97194196)_(97510809_?)del

Genes: ARL6 (ARF like GTPase 6; plus strand), EPHA6 (EPH receptor A6; plus strand). Cytogenetic location: 3q11.2.
Variant type: Deletion.
Identifiers: ClinVar variation 1076146 (VCV001076146.6).

ClinVar aggregate classification (germline): Pathogenic (1 of 4 stars; one submission).

Conditions:
Bardet-Biedl syndrome 3 (BBS3). Identifiers: Orphanet 110, MedGen C1859564, MONDO:0010832, OMIM 600151.
Retinitis pigmentosa 55 (RP55). Identifiers: Orphanet 791, MedGen C3150808, MONDO:0013312, OMIM 613575.

Submission:

Labcorp Genetics (formerly Invitae), Labcorp
Classification: Pathogenic for Retinitis pigmentosa 55; Bardet-Biedl syndrome 3. Last evaluated: 2022-02-24. Review status: criteria provided, single submitter. Criteria: Invitae Variant Classification Sherloc (09022015). Collection method: clinical testing. Allele origin: germline.
Comment: For these reasons, this variant has been classified as Pathogenic. This variant has not been reported in the literature in individuals affected with ARL6-related conditions. This variant is a gross deletion of the genomic region encompassing exon(s) 1-8 of the ARL6 gene, which includes the initiator codon. This deletion extends beyond the assayed region for this gene and therefore may encompass additional genes. It is expected to result in an absent or disrupted protein product. Loss-of-function variants in ARL6 are known to be pathogenic (PMID: 15258860, 19858128, 20142850, 22334370, 27486776, 31736247).

Literature cited by the submitters: PubMed 15258860; PubMed 19858128; PubMed 20142850; PubMed 22334370; PubMed 27486776; PubMed 31736247.